The following is an entry in ClinVar:

NM_020778.5(ALPK3):c.2368G>A (p.Val790Met)

Gene: ALPK3 (alpha kinase 3; plus strand). Cytogenetic location: 15q25.3.
Variant type: single nucleotide variant.
Coding change: c.2368G>A on transcript NM_020778.5 (MANE Select); coding-DNA position 2368, G replaced by A.
Protein change: p.Val790Met; replaces valine 790 with methionine.
Molecular consequence: missense variant.
Genome position (GRCh38, 1-based): chr15:84,857,106, G>A. VCF-style: chr15-84857106-G-A. GRCh37 (hg19) VCF-style: chr15-85400337-G-A.
Other names: c.2974G>A (NM_020778.4); short protein forms V790M.
Identifiers: ClinVar variation 1412129 (VCV001412129.9), dbSNP rs1472038881, ClinGen allele CA393356907.

ClinVar aggregate classification (germline): Uncertain significance. Review status: criteria provided, multiple submitters, no conflicts (2 of 4 stars). 2 submissions from 2 submitters: Uncertain significance (2). Last evaluated 2026-03-23.

Conditions:
Cardiovascular phenotype. Identifiers: MedGen CN230736.

Allele frequency attached by ClinVar (database versions not stated): gnomAD exomes below 0.00001; TOPMed 0.00002.
gnomAD v4.1: 2 of 1,614,212 alleles (0.00012%); highest among the groups gnomAD compares: Non-Finnish European, 0.000085%; no homozygotes.

Submissions (2):

Ambry Genetics
Classification: Uncertain significance for Cardiovascular phenotype. Last evaluated: 2026-03-23. Review status: criteria provided, single submitter. Criteria: Ambry Variant Classification Scheme 2023. Collection method: clinical testing. Allele origin: germline.
Comment: The p.V992M variant (also known as c.2974G>A), located in coding exon 6 of the ALPK3 gene, results from a G to A substitution at nucleotide position 2974. The valine at codon 992 is replaced by methionine, an amino acid with highly similar properties. This amino acid position is conserved. In addition, this alteration is predicted to be tolerated by in silico analysis. Based on the available evidence, the clinical significance of this variant remains unclear.

Labcorp Genetics (formerly Invitae), Labcorp
Classification: Uncertain significance. Last evaluated: 2025-11-03. Review status: criteria provided, single submitter. Criteria: Invitae Variant Classification Sherloc (09022015). Collection method: clinical testing. Allele origin: germline.
Comment: This sequence change replaces valine, which is neutral and non-polar, with methionine, which is neutral and non-polar, at codon 992 of the ALPK3 protein (p.Val992Met). This variant is not present in population databases (gnomAD no frequency). This variant has not been reported in the literature in individuals affected with ALPK3-related conditions. ClinVar contains an entry for this variant (Variation ID: 1412129). Invitae Evidence Modeling of protein sequence and biophysical properties (such as structural, functional, and spatial information, amino acid conservation, physicochemical variation, residue mobility, and thermodynamic stability) indicates that this missense variant is not expected to disrupt ALPK3 protein function with a negative predictive value of 80%. In summary, the available evidence is currently insufficient to determine the role of this variant in disease. Therefore, it has been classified as a Variant of Uncertain Significance.